The following is an entry in ClinVar:

ClinVar aggregate classification (germline): Conflicting classifications of pathogenicity. Review status: criteria provided, conflicting classifications (1 of 4 stars). 2 submissions from 2 submitters: Uncertain significance (1); Likely benign (1). Last evaluated 2025-10-05.

Allele frequency attached by ClinVar (database versions not stated): gnomAD 0.00001; gnomAD exomes 0.00001 and 0.00003; TOPMed 0.00001; ExAC 0.00002.
gnomAD v4.1: 23 of 1,613,988 alleles (0.0014%); highest among the groups gnomAD compares: Non-Finnish European, 0.0018%; no homozygotes.

Submissions (2):

Labcorp Genetics (formerly Invitae), Labcorp
Classification: Likely benign. Last evaluated: 2025-10-05. Review status: criteria provided, single submitter. Criteria: Invitae Variant Classification Sherloc (09022015). Collection method: clinical testing. Allele origin: germline.

GeneDx
Classification: Uncertain significance. Last evaluated: 2023-12-27. Review status: criteria provided, single submitter. Criteria: GeneDx Variant Classification Process June 2021. Collection method: clinical testing. Allele origin: germline. Affected: yes.
Comment: In silico analysis suggests this variant may impact gene splicing. In the absence of RNA/functional studies, the actual effect of this sequence change is unknown.; Has not been previously published as pathogenic or benign to our knowledge

NM_002335.4(LRP5):c.1182G>A (p.Val394=)

Gene: LRP5 (LDL receptor related protein 5; plus strand). Cytogenetic location: 11q13.2.
Variant type: single nucleotide variant.
Coding change: c.1182G>A on transcript NM_002335.4 (MANE Select); coding-DNA position 1182, G replaced by A.
Protein change: p.Val394=; no amino-acid change (valine 394 retained).
Molecular consequence: synonymous variant. On other transcripts: 5 prime UTR variant (1).
Genome position (GRCh38, 1-based): chr11:68,386,482, G>A. VCF-style: chr11-68386482-G-A. GRCh37 (hg19) VCF-style: chr11-68153950-G-A.
Other names: c.-584G>A (NM_001291902.2); c.1182G>A (NM_002335.2).
Identifiers: ClinVar variation 1543381 (VCV001543381.9), dbSNP rs746800397, ClinGen allele CA6149263.